The following is an entry in ClinVar:

NM_000787.4(DBH):c.1192-1G>A

Gene: DBH (dopamine beta-hydroxylase; plus strand). Cytogenetic location: 9q34.2.
Variant type: single nucleotide variant.
Coding change: c.1192-1G>A on transcript NM_000787.4 (MANE Select); the canonical splice acceptor site of the intron before coding-DNA position 1192, G replaced by A.
Molecular consequence: splice acceptor variant.
Genome position (GRCh38, 1-based): chr9:133,651,633, G>A. VCF-style: chr9-133651633-G-A. GRCh37 (hg19) VCF-style: chr9-136516755-G-A.
Identifiers: ClinVar variation 3693086 (VCV003693086.2).
Genomic context (GRCh38, chr9:133,651,633, plus strand): 5'-CATGGACGGGAGGGTCCCCTCGGGGGTCAGGCCCTGACACTGCAGCCCCCCGACCCCACA[G>A]GCACTGCCTCCCTCCGGGATCCACATCTTCGCCTCTCAGCTCCACACACACCTGACTGGG-3'

ClinVar aggregate classification (germline): Likely pathogenic (1 of 4 stars; one submission).

Conditions:
Orthostatic hypotension 1 (ORTHYP1). Also called: NORADRENALINE DEFICIENCY; NOREPINEPHRINE DEFICIENCY; Orthostatic hypotension 1, due to DBH deficiency; Dopamine beta-hydroxylase deficiency. Identifiers: Orphanet 230, MedGen C4746777, MONDO:0009123, OMIM 223360.

Submission:

Labcorp Genetics (formerly Invitae), Labcorp
Classification: Likely pathogenic for Orthostatic hypotension 1. Last evaluated: 2024-12-10. Review status: criteria provided, single submitter. Criteria: Invitae Variant Classification Sherloc (09022015). Collection method: clinical testing. Allele origin: germline.
Comment: This sequence change affects an acceptor splice site in intron 6 of the DBH gene. It is expected to disrupt RNA splicing. Variants that disrupt the donor or acceptor splice site typically lead to a loss of protein function (PMID: 16199547), and loss-of-function variants in DBH are known to be pathogenic (PMID: 7715704, 15060114). This variant is not present in population databases (gnomAD no frequency). This variant has not been reported in the literature in individuals affected with DBH-related conditions. Algorithms developed to predict the effect of sequence changes on RNA splicing suggest that this variant may disrupt the consensus splice site. In summary, the currently available evidence indicates that the variant is pathogenic, but additional data are needed to prove that conclusively. Therefore, this variant has been classified as Likely Pathogenic.

Literature cited by the submitters: PubMed 16199547; PubMed 7715704; PubMed 15060114.